The following is an entry in ClinVar:

ClinVar aggregate classification (germline): Uncertain significance. Review status: criteria provided, multiple submitters, no conflicts (2 of 4 stars). 4 submissions from 4 submitters: Uncertain significance (4). Last evaluated 2025-11-26.

Conditions:
Inborn genetic diseases. Identifiers: MedGen C0950123, MeSH D030342.
Epidermolysis bullosa simplex 5B, with muscular dystrophy (EBS5B). Also called: EPIDERMOLYSIS BULLOSA SIMPLEX AND LIMB-GIRDLE MUSCULAR DYSTROPHY; Epidermolysis bullosa simplex with muscular dystrophy. Identifiers: Orphanet 257, MedGen C2931072, MONDO:0009181, OMIM 226670.
Epidermolysis bullosa simplex 5C, with pyloric atresia (EBS5C). Also called: Epidermolysis bullosa simplex with pyloric atresia; PLEC-Related Epidermolysis Bullosa with Pyloric Atresia; PLEC1-Related Epidermolysis Bullosa with Pyloric Atresia. Identifiers: Orphanet 158684, MedGen C2677349, MONDO:0012807, OMIM 612138.
Autosomal recessive limb-girdle muscular dystrophy type 2Q (LGMDR17). Also called: MUSCULAR DYSTROPHY, LIMB-GIRDLE, AUTOSOMAL RECESSIVE 17. Identifiers: Orphanet 254361, MedGen C3150989, MONDO:0013390, OMIM 613723.
Epidermolysis bullosa simplex with nail dystrophy (EBS5D). Identifiers: MedGen C4225309, MONDO:0014661, OMIM 616487.
Epidermolysis bullosa simplex, Ogna type (EBS5A). Also called: Pidermolysis bullosa simplex 5A, Ogna type; EPIDERMOLYSIS BULLOSA SIMPLEX 5A, OGNA TYPE. Identifiers: Orphanet 79401, MedGen C0432317, MONDO:0007555, OMIM 131950.

Allele frequency attached by ClinVar (database versions not stated): gnomAD exomes 0.00001; gnomAD 0.00002; TOPMed 0.00002.
gnomAD v4.1: 20 of 1,587,714 alleles (0.0013%); highest among the groups gnomAD compares: Non-Finnish European, 0.0017%; no homozygotes.

Submissions (4):

Ambry Genetics
Classification: Uncertain significance for Inborn genetic diseases. Last evaluated: 2025-11-26. Review status: criteria provided, single submitter. Criteria: Ambry Variant Classification Scheme 2023. Collection method: clinical testing. Allele origin: germline.

Mayo Clinic Laboratories, Mayo Clinic
Classification: Uncertain significance. Last evaluated: 2025-05-12. Review status: criteria provided, single submitter. Criteria: ACMG Guidelines, 2015. Collection method: clinical testing. Allele origin: germline. Observed: 1 variant allele.

Labcorp Genetics (formerly Invitae), Labcorp
Classification: Uncertain significance for Autosomal recessive limb-girdle muscular dystrophy type 2Q; Epidermolysis bullosa simplex, Ogna type; Epidermolysis bullosa simplex with nail dystrophy; Epidermolysis bullosa simplex 5C, with pyloric atresia; Epidermolysis bullosa simplex 5B, with muscular dystrophy. Last evaluated: 2023-08-17. Review status: criteria provided, single submitter. Criteria: Invitae Variant Classification Sherloc (09022015). Collection method: clinical testing. Allele origin: germline.
Comment: In summary, the available evidence is currently insufficient to determine the role of this variant in disease. Therefore, it has been classified as a Variant of Uncertain Significance. Advanced modeling of protein sequence and biophysical properties (such as structural, functional, and spatial information, amino acid conservation, physicochemical variation, residue mobility, and thermodynamic stability) performed at Invitae indicates that this missense variant is not expected to disrupt PLEC protein function. ClinVar contains an entry for this variant (Variation ID: 1435302). This variant has not been reported in the literature in individuals affected with PLEC-related conditions. This variant is present in population databases (no rsID available, gnomAD 0.003%). This sequence change replaces glutamic acid, which is acidic and polar, with glycine, which is neutral and non-polar, at codon 1715 of the PLEC protein (p.Glu1715Gly).

Revvity Omics, Revvity
Classification: Uncertain significance. Last evaluated: 2021-12-28. Review status: criteria provided, single submitter. Criteria: ACMG Guidelines, 2015. Collection method: clinical testing. Allele origin: germline.

NM_201384.3(PLEC):c.5063A>G (p.Glu1688Gly)

Gene: PLEC (plectin; minus strand). Cytogenetic location: 8q24.3.
Variant type: single nucleotide variant.
Coding change: c.5063A>G on transcript NM_201384.3 (MANE Select); coding-DNA position 5063, A replaced by G.
Protein change: p.Glu1688Gly; replaces glutamic acid 1688 with glycine.
Molecular consequence: missense variant.
Genome position (GRCh38, 1-based): chr8:143,924,866, T>C on the plus strand (A>G on the coding strand, the complement: PLEC is on the minus strand). VCF-style: chr8-143924866-T-C. GRCh37 (hg19) VCF-style: chr8-144999034-T-C.
Other names: p.Glu1715Gly; c.5144A>G (NM_000445.3); c.5144A>G, p.Glu1715Gly (NM_000445.5); c.5021A>G, p.Glu1674Gly (NM_201378.4); c.4997A>G, p.Glu1666Gly (NM_201379.3); c.5474A>G, p.Glu1825Gly (NM_201380.4); c.4967A>G, p.Glu1656Gly (NM_201381.3); c.5063A>G, p.Glu1688Gly (NM_201382.4); and 1 more; short protein forms E1674G, E1688G, E1715G, E1656G, E1692G, E1666G, E1825G.
Identifiers: ClinVar variation 1435302 (VCV001435302.10), dbSNP rs1038571028, ClinGen allele CA187616334.